The following is an entry in ClinVar:

NM_172107.4(KCNQ2):c.729C>T (p.Leu243=)

Gene: KCNQ2 (potassium voltage-gated channel subfamily Q member 2; minus strand). Cytogenetic location: 20q13.33.
Variant type: single nucleotide variant.
Coding change: c.729C>T on transcript NM_172107.4 (MANE Select); coding-DNA position 729, C replaced by T.
Protein change: p.Leu243=; no amino-acid change (leucine 243 retained).
Molecular consequence: synonymous variant.
Genome position (GRCh38, 1-based): chr20:63,442,493, G>A on the plus strand (C>T on the coding strand, the complement: KCNQ2 is on the minus strand). VCF-style: chr20-63442493-G-A. GRCh37 (hg19) VCF-style: chr20-62073846-G-A.
Other names: c.729C>T, p.Leu243= (NM_004518.6, NM_172106.3, NM_172108.5 and 1 more transcripts).
Identifiers: ClinVar variation 379357 (VCV000379357.9), dbSNP rs755940771, ClinGen allele CA9958744.

ClinVar aggregate classification (germline): Likely benign. Review status: criteria provided, multiple submitters, no conflicts (2 of 4 stars). 2 submissions from 2 submitters: Likely benign (2). Last evaluated 2025-09-02.

Conditions:
Early-infantile DEE. Also called: Ohtahara syndrome; Early infantile epileptic encephalopathy with suppression bursts; Early infantile epileptic encephalopathy. Identifiers: Orphanet 1934, MedGen C0393706, MONDO:0800491.

Allele frequency attached by ClinVar (database versions not stated): gnomAD exomes below 0.00001 and 0.00001; ExAC 0.00001; gnomAD 0.00001.
gnomAD v4.1: 4 of 1,613,518 alleles (0.00025%); highest among the groups gnomAD compares: Admixed American, 0.0067%; no homozygotes.

Submissions (2):

Labcorp Genetics (formerly Invitae), Labcorp
Classification: Likely benign for Early-infantile DEE. Last evaluated: 2025-09-02. Review status: criteria provided, single submitter. Criteria: Invitae Variant Classification Sherloc (09022015). Collection method: clinical testing. Allele origin: germline.

GeneDx
Classification: Likely benign. Last evaluated: 2016-08-19. Review status: criteria provided, single submitter. Criteria: GeneDx Variant Classification (06012015). Collection method: clinical testing. Allele origin: germline. Affected: yes.
Comment: This variant is considered likely benign or benign based on one or more of the following criteria: it is a conservative change, it occurs at a poorly conserved position in the protein, it is predicted to be benign by multiple in silico algorithms, and/or has population frequency not consistent with disease.